The following is an entry in ClinVar:

ClinVar aggregate classification (germline): Uncertain significance (1 of 4 stars; one submission).

Allele frequency attached by ClinVar (database versions not stated): ExAC 0.00003; gnomAD exomes 0.00007; ESP Exome Variant Server 0.00008; gnomAD 0.00030 and 0.00031; 1000 Genomes Project 30x 0.00031; TOPMed 0.00031; 1000 Genomes Project 0.00040.
gnomAD v4.1: 103 of 1,614,108 alleles (0.0064%); highest among the groups gnomAD compares: African/African-American, 0.11%; 2 homozygotes.

Submission:

Labcorp Genetics (formerly Invitae), Labcorp
Classification: Uncertain significance. Last evaluated: 2026-01-05. Review status: criteria provided, single submitter. Criteria: Invitae Variant Classification Sherloc (09022015). Collection method: clinical testing. Allele origin: germline.
Comment: This sequence change replaces arginine, which is basic and polar, with histidine, which is basic and polar, at codon 450 of the DSCAML1 protein (p.Arg450His). This variant is present in population databases (rs372552793, gnomAD 0.09%), and has an allele count higher than expected for a pathogenic variant. This variant has not been reported in the literature in individuals affected with DSCAML1-related conditions. ClinVar contains an entry for this variant (Variation ID: 1417007). An algorithm developed to predict the effect of missense changes on protein structure and function (PolyPhen-2) suggests that this variant is likely to be tolerated. In summary, the available evidence is currently insufficient to determine the role of this variant in disease. Therefore, it has been classified as a Variant of Uncertain Significance.

NM_020693.4(DSCAML1):c.1169G>A (p.Arg390His)

Gene: DSCAML1 (DS cell adhesion molecule like 1; minus strand). Cytogenetic location: 11q23.3.
Variant type: single nucleotide variant.
Coding change: c.1169G>A on transcript NM_020693.4 (MANE Select); coding-DNA position 1169, G replaced by A.
Protein change: p.Arg390His; replaces arginine 390 with histidine.
Molecular consequence: missense variant.
Genome position (GRCh38, 1-based): chr11:117,521,174, C>T on the plus strand (G>A on the coding strand, the complement: DSCAML1 is on the minus strand). VCF-style: chr11-117521174-C-T. GRCh37 (hg19) VCF-style: chr11-117391889-C-T.
Other names: c.1169G>A, p.Arg390His (NM_001367904.1); c.761G>A, p.Arg254His (NM_001367905.1); short protein forms R254H, R390H.
Identifiers: ClinVar variation 1417007 (VCV001417007.6), dbSNP rs372552793, ClinGen allele CA6297352.
Genomic context (GRCh38, chr11:117,521,174, plus strand): 5'-TGGCGCCCCAGCTCACCCTCAAGTGCAATGATGGCAAAGTCCTGGGCGGTCTGGGCCTTG[C>T]GGGTAGCGAAGCACTGGTAGGCCCCGGAATGGCTCTTCTGGGCCGAGGTGATGAGCAGCG-3'
Protein context (NP_065744.3, residues 380-400): HSGAYQCFAT[Arg390His]KAQTAQDFAI